The following is an entry in ClinVar:

NM_001453.3(FOXC1):c.548A>G (p.Lys183Arg)

Gene: FOXC1 (forkhead box C1; plus strand). Cytogenetic location: 6p25.3.
Variant type: single nucleotide variant.
Coding change: c.548A>G on transcript NM_001453.3 (MANE Select); coding-DNA position 548, A replaced by G.
Protein change: p.Lys183Arg; replaces lysine 183 with arginine.
Molecular consequence: missense variant.
Genome position (GRCh38, 1-based): chr6:1,610,993, A>G. VCF-style: chr6-1610993-A-G. GRCh37 (hg19) VCF-style: chr6-1611228-A-G.
Other names: short protein forms K183R.
Identifiers: ClinVar variation 2956461 (VCV002956461.3), dbSNP rs778823995, ClinGen allele CA3614777.

ClinVar aggregate classification (germline): Uncertain significance (1 of 4 stars; one submission).

Conditions:
Axenfeld-Rieger syndrome type 3 (RIEG3). Also called: AXENFELD-RIEGER ANOMALY WITH CARDIAC DEFECTS AND/OR SENSORINEURAL HEARING LOSS. Identifiers: Orphanet 782, MedGen C2678503, MONDO:0011233, OMIM 602482.

Allele frequency attached by ClinVar (database versions not stated): gnomAD exomes below 0.00001; ExAC 0.00001; gnomAD 0.00001.

Submission:

Labcorp Genetics (formerly Invitae), Labcorp
Classification: Uncertain significance for Axenfeld-Rieger syndrome type 3. Last evaluated: 2022-10-31. Review status: criteria provided, single submitter. Criteria: Invitae Variant Classification Sherloc (09022015). Collection method: clinical testing. Allele origin: germline.
Comment: In summary, the available evidence is currently insufficient to determine the role of this variant in disease. Therefore, it has been classified as a Variant of Uncertain Significance. Algorithms developed to predict the effect of missense changes on protein structure and function are either unavailable or do not agree on the potential impact of this missense change (SIFT: "Deleterious"; PolyPhen-2: "Benign"; Align-GVGD: "Class C25"). This variant has not been reported in the literature in individuals affected with FOXC1-related conditions. This variant is present in population databases (rs778823995, gnomAD 0.0008%). This sequence change replaces lysine, which is basic and polar, with arginine, which is basic and polar, at codon 183 of the FOXC1 protein (p.Lys183Arg).